The following is an entry in ClinVar:

NM_006929.5(SKIC2):c.22+1G>T

Gene: SKIC2 (SKI2 subunit of superkiller complex; plus strand). Cytogenetic location: 6p21.33.
Variant type: single nucleotide variant.
Coding change: c.22+1G>T on transcript NM_006929.5 (MANE Select); the canonical splice donor site of the intron after coding-DNA position 22, G replaced by T.
Molecular consequence: splice donor variant.
Genome position (GRCh38, 1-based): chr6:31,959,215, G>T. VCF-style: chr6-31959215-G-T. GRCh37 (hg19) VCF-style: chr6-31926992-G-T.
Identifiers: ClinVar variation 2999212 (VCV002999212.3), dbSNP rs981582662, ClinGen allele CA136905057.

ClinVar aggregate classification (germline): Likely pathogenic (1 of 4 stars; one submission).

Allele frequency attached by ClinVar (database versions not stated): gnomAD exomes below 0.00001.
gnomAD v4.1: 1 of 1,608,898 alleles (0.000062%); highest among the groups gnomAD compares: Admixed American, 0.0017%; no homozygotes.

Submission:

Labcorp Genetics (formerly Invitae), Labcorp
Classification: Likely pathogenic. Last evaluated: 2023-11-24. Review status: criteria provided, single submitter. Criteria: Invitae Variant Classification Sherloc (09022015). Collection method: clinical testing. Allele origin: germline.
Comment: This sequence change affects a donor splice site in intron 1 of the SKIV2L gene. It is expected to disrupt RNA splicing. Variants that disrupt the donor or acceptor splice site typically lead to a loss of protein function (PMID: 16199547), and loss-of-function variants in SKIV2L are known to be pathogenic (PMID: 22444670). This variant is not present in population databases (gnomAD no frequency). This variant has not been reported in the literature in individuals affected with SKIV2L-related conditions. Algorithms developed to predict the effect of sequence changes on RNA splicing suggest that this variant may disrupt the consensus splice site. In summary, the currently available evidence indicates that the variant is pathogenic, but additional data are needed to prove that conclusively. Therefore, this variant has been classified as Likely Pathogenic.

Literature cited by the submitters: PubMed 16199547; PubMed 22444670.